The following is an entry in ClinVar:

ClinVar aggregate classification (germline): Uncertain significance. Review status: criteria provided, multiple submitters, no conflicts (2 of 4 stars). 2 submissions from 2 submitters: Uncertain significance (2). Last evaluated 2024-04-26.

Conditions:
Hereditary cancer-predisposing syndrome. Also called: Hereditary neoplastic syndrome; Neoplastic Syndromes, Hereditary; Tumor predisposition; Hereditary Cancer Syndrome. Identifiers: Orphanet 140162, MedGen C0027672, MeSH D009386, MONDO:0015356.
Fanconi anemia complementation group J. Also called: BRIP1-Related Fanconi Anemia. Identifiers: Orphanet 84, MedGen C1836860, MONDO:0012187, OMIM 609054.
Familial cancer of breast. Also called: BREAST CANCER, FAMILIAL; Hereditary breast cancer; hereditary breast carcinoma. Identifiers: Orphanet 227535, MedGen C0346153, MONDO:0016419, OMIM 114480. Disease mechanism: loss of function.

Submissions (2):

Ambry Genetics
Classification: Uncertain significance for Hereditary cancer-predisposing syndrome. Last evaluated: 2024-04-26. Review status: criteria provided, single submitter. Criteria: Ambry Variant Classification Scheme 2023. Collection method: clinical testing. Allele origin: germline.
Comment: The p.G290A variant (also known as c.869G>C), located in coding exon 6 of the BRIP1 gene, results from a G to C substitution at nucleotide position 869. The glycine at codon 290 is replaced by alanine, an amino acid with similar properties. This amino acid position is not well conserved in available vertebrate species. In addition, this alteration is predicted to be tolerated by in silico analysis. Since supporting evidence is limited at this time, the clinical significance of this alteration remains unclear.

Labcorp Genetics (formerly Invitae), Labcorp
Classification: Uncertain significance for Familial cancer of breast; Fanconi anemia complementation group J. Last evaluated: 2021-10-02. Review status: criteria provided, single submitter. Criteria: Invitae Variant Classification Sherloc (09022015). Collection method: clinical testing. Allele origin: germline.
Comment: This sequence change replaces glycine with alanine at codon 290 of the BRIP1 protein (p.Gly290Ala). The glycine residue is weakly conserved and there is a small physicochemical difference between glycine and alanine. This variant is not present in population databases (ExAC no frequency). This variant has not been reported in the literature in individuals affected with BRIP1-related conditions. ClinVar contains an entry for this variant (Variation ID: 481666). Algorithms developed to predict the effect of missense changes on protein structure and function (SIFT, PolyPhen-2, Align-GVGD) all suggest that this variant is likely to be tolerated. In summary, the available evidence is currently insufficient to determine the role of this variant in disease. Therefore, it has been classified as a Variant of Uncertain Significance.

NM_032043.3(BRIP1):c.869G>C (p.Gly290Ala)

Gene: BRIP1 (BRCA1 interacting DNA helicase 1; minus strand). Cytogenetic location: 17q23.2.
Variant type: single nucleotide variant.
Coding change: c.869G>C on transcript NM_032043.3 (MANE Select); coding-DNA position 869, G replaced by C.
Protein change: p.Gly290Ala; replaces glycine 290 with alanine.
Molecular consequence: missense variant.
Genome position (GRCh38, 1-based): chr17:61,808,516, C>G on the plus strand (G>C on the coding strand, the complement: BRIP1 is on the minus strand). VCF-style: chr17-61808516-C-G. GRCh37 (hg19) VCF-style: chr17-59885877-C-G.
Other names: short protein forms G290A.
Identifiers: ClinVar variation 481666 (VCV000481666.10), dbSNP rs148556781, ClinGen allele CA400484744.